The following is an entry in ClinVar:

ClinVar aggregate classification (germline): Uncertain significance (1 of 4 stars; one submission).

Allele frequency attached by ClinVar (database versions not stated): gnomAD exomes 0.00001.
gnomAD v4.1: 3 of 1,613,708 alleles (0.00019%); highest among the groups gnomAD compares: Non-Finnish European, 0.00025%; no homozygotes.

Submission:

Labcorp Genetics (formerly Invitae), Labcorp
Classification: Uncertain significance. Last evaluated: 2023-07-17. Review status: criteria provided, single submitter. Criteria: Invitae Variant Classification Sherloc (09022015). Collection method: clinical testing. Allele origin: germline.
Comment: In summary, the available evidence is currently insufficient to determine the role of this variant in disease. Therefore, it has been classified as a Variant of Uncertain Significance. An algorithm developed to predict the effect of missense changes on protein structure and function (PolyPhen-2) suggests that this variant is likely to be tolerated. This variant has not been reported in the literature in individuals affected with DLC1-related conditions. This variant is not present in population databases (gnomAD no frequency). This sequence change replaces proline, which is neutral and non-polar, with alanine, which is neutral and non-polar, at codon 802 of the DLC1 protein (p.Pro802Ala).

NM_182643.3(DLC1):c.2404C>G (p.Pro802Ala)

Gene: DLC1 (DLC1 Rho GTPase activating protein; minus strand). Cytogenetic location: 8p22.
Variant type: single nucleotide variant.
Coding change: c.2404C>G on transcript NM_182643.3 (MANE Select); coding-DNA position 2404, C replaced by G.
Protein change: p.Pro802Ala; replaces proline 802 with alanine.
Molecular consequence: missense variant.
Genome position (GRCh38, 1-based): chr8:13,099,933, G>C on the plus strand (C>G on the coding strand, the complement: DLC1 is on the minus strand). VCF-style: chr8-13099933-G-C. GRCh37 (hg19) VCF-style: chr8-12957442-G-C.
Other names: c.871C>G, p.Pro291Ala (NM_001164271.2, NM_001348082.2, NM_001348083.1 and 6 more transcripts); c.1195C>G, p.Pro399Ala (NM_001316668.2, NM_001413129.1); c.2404C>G, p.Pro802Ala (NM_001348081.2, NM_001413124.1); c.1093C>G, p.Pro365Ala (NM_001413139.1, NM_006094.5, NM_001413135.1 and 1 more transcripts); c.1228C>G, p.Pro410Ala (NM_001413140.1); c.1186C>G, p.Pro396Ala (NM_001413130.1); c.844C>G, p.Pro282Ala (NM_001413131.1, NM_001413137.1); c.1330C>G, p.Pro444Ala (NM_001413132.1); short protein forms P365A, P410A, P444A, P396A, P282A, P291A, P399A, P802A.
Identifiers: ClinVar variation 2727424 (VCV002727424.3), dbSNP rs1389227155, ClinGen allele CA370345558.